The following is an entry in ClinVar:

ClinVar aggregate classification (germline): Uncertain significance (1 of 4 stars; one submission).

Conditions:
Primary ciliary dyskinesia. Also called: Ciliary dyskinesia. Identifiers: Orphanet 244, MedGen C0008780, MONDO:0016575, HP:0012265.

gnomAD v4.1: 2 of 1,613,944 alleles (0.00012%); highest among the groups gnomAD compares: Non-Finnish European, 0.000085%; no homozygotes.

Submission:

Ambry Genetics
Classification: Uncertain significance for Primary ciliary dyskinesia. Last evaluated: 2022-03-04. Review status: criteria provided, single submitter. Criteria: Ambry Variant Classification Scheme 2023. Collection method: clinical testing. Allele origin: germline.
Comment: The p.Q2463P variant (also known as c.7388A>C), located in coding exon 44 of the DNAH5 gene, results from an A to C substitution at nucleotide position 7388. The glutamine at codon 2463 is replaced by proline, an amino acid with similar properties. This amino acid position is conserved. In addition, the in silico prediction for this alteration is inconclusive. Since supporting evidence is limited at this time, the clinical significance of this alteration remains unclear.

NM_001369.3(DNAH5):c.7388A>C (p.Gln2463Pro)

Gene: DNAH5 (dynein axonemal heavy chain 5; minus strand). Cytogenetic location: 5p15.2.
Variant type: single nucleotide variant.
Coding change: c.7388A>C on transcript NM_001369.3 (MANE Select); coding-DNA position 7388, A replaced by C.
Protein change: p.Gln2463Pro; replaces glutamine 2463 with proline.
Molecular consequence: missense variant.
Genome position (GRCh38, 1-based): chr5:13,811,666, T>G on the plus strand (A>C on the coding strand, the complement: DNAH5 is on the minus strand). VCF-style: chr5-13811666-T-G. GRCh37 (hg19) VCF-style: chr5-13811775-T-G.
Other names: short protein forms Q2463P.
Identifiers: ClinVar variation 1758629 (VCV001758629.2), dbSNP rs10078391, ClinGen allele CA359189042.